The following is an entry in ClinVar:

NM_000057.4(BLM):c.1462G>A (p.Glu488Lys)

Gene: BLM (BLM RecQ like helicase; plus strand). Cytogenetic location: 15q26.1.
Variant type: single nucleotide variant.
Coding change: c.1462G>A on transcript NM_000057.4 (MANE Select); coding-DNA position 1462, G replaced by A.
Protein change: p.Glu488Lys; replaces glutamic acid 488 with lysine.
Molecular consequence: missense variant.
Genome position (GRCh38, 1-based): chr15:90,760,835, G>A. VCF-style: chr15-90760835-G-A. GRCh37 (hg19) VCF-style: chr15-91304065-G-A.
Other names: c.1462G>A, p.Glu488Lys (NM_001287246.2, NM_001287247.2); c.337G>A, p.Glu113Lys (NM_001287248.2); c.1462G>A (NM_000057.2); short protein forms E488K, E113K.
Identifiers: ClinVar variation 454078 (VCV000454078.16), dbSNP rs1477193473, ClinGen allele CA393843108.

ClinVar aggregate classification (germline): Uncertain significance. Review status: criteria provided, multiple submitters, no conflicts (2 of 4 stars). 4 submissions from 4 submitters: Uncertain significance (3). 1 of the submissions does not count toward it. Last evaluated 2025-11-03.

Conditions:
Hereditary cancer-predisposing syndrome. Also called: Hereditary Cancer Syndrome; Hereditary neoplastic syndrome; Neoplastic Syndromes, Hereditary; Tumor predisposition. Identifiers: Orphanet 140162, MedGen C0027672, MeSH D009386, MONDO:0015356.
Bloom syndrome (BLM). Also called: Bloom-Torre-Machacek syndrome. Identifiers: Orphanet 125, MedGen C0005859, MONDO:0008876, OMIM 210900.

Allele frequency attached by ClinVar (database versions not stated): TOPMed below 0.00001.

Submissions (4):

Labcorp Genetics (formerly Invitae), Labcorp
Classification: Uncertain significance for Bloom syndrome. Last evaluated: 2025-11-03. Review status: criteria provided, single submitter. Criteria: Invitae Variant Classification Sherloc (09022015). Collection method: clinical testing. Allele origin: germline.
Comment: This sequence change replaces glutamic acid, which is acidic and polar, with lysine, which is basic and polar, at codon 488 of the BLM protein (p.Glu488Lys). This variant is not present in population databases (gnomAD no frequency). This variant has not been reported in the literature in individuals affected with BLM-related conditions. ClinVar contains an entry for this variant (Variation ID: 454078). Invitae Evidence Modeling of protein sequence and biophysical properties (such as structural, functional, and spatial information, amino acid conservation, physicochemical variation, residue mobility, and thermodynamic stability) indicates that this missense variant is not expected to disrupt BLM protein function with a negative predictive value of 80%. In summary, the available evidence is currently insufficient to determine the role of this variant in disease. Therefore, it has been classified as a Variant of Uncertain Significance.

Quest Diagnostics Nichols Institute San Juan Capistrano
Classification: Uncertain significance. Last evaluated: 2025-09-18. Review status: criteria provided, single submitter. Criteria: Quest Diagnostics criteria. Collection method: clinical testing. Allele origin: unknown.
Comment: The BLM c.1462G>A (p.Glu488Lys) variant has not been reported in individuals with BLM-related conditions in the published literature. This variant has not been reported in large, multi-ethnic general populations (Genome Aggregation Database). Analysis of this variant using bioinformatics tools for the prediction of the effect of amino acid changes on protein structure and function yielded predictions that this variant is benign. Based on the available information, we are unable to determine the clinical significance of this variant.

Ambry Genetics
Classification: Uncertain significance for Hereditary cancer-predisposing syndrome. Last evaluated: 2024-11-20. Review status: criteria provided, single submitter. Criteria: Ambry Variant Classification Scheme 2023. Collection method: clinical testing. Allele origin: germline.
Comment: The p.E488K variant (also known as c.1462G>A), located in coding exon 6 of the BLM gene, results from a G to A substitution at nucleotide position 1462. The glutamic acid at codon 488 is replaced by lysine, an amino acid with similar properties. This amino acid position is conserved. In addition, this alteration is predicted to be tolerated by in silico analysis. Since supporting evidence is limited at this time, the clinical significance of this alteration remains unclear.

Natera, Inc.
Classification: Uncertain significance for Bloom syndrome. Last evaluated: 2021-07-20. Review status: no assertion criteria provided. Collection method: clinical testing. Allele origin: germline. Not counted in ClinVar's aggregate classification.